The following is an entry in ClinVar:

ClinVar aggregate classification (germline): Pathogenic/Likely pathogenic. Review status: criteria provided, multiple submitters, no conflicts (2 of 4 stars). 2 submissions from 2 submitters: Pathogenic (1); Likely pathogenic (1). Last evaluated 2025-02-21.

Conditions:
Joubert syndrome 3 (JBTS3). Also called: AHI1-related Ciliopathy. Identifiers: Orphanet 220493, MedGen C1837713, MONDO:0012078, OMIM 608629.

gnomAD v4.1: 1 of 1,610,182 alleles (0.000062%); highest among the groups gnomAD compares: Non-Finnish European, 0.000085%; no homozygotes.

Submissions (2):

First Genomix Gene Laboratory, Genetic Diagnostics Department
Classification: Likely pathogenic for Joubert syndrome 3. Last evaluated: 2025-02-21. Review status: criteria provided, single submitter. Criteria: ACMG Guidelines, 2015. Collection method: clinical testing. Allele origin: germline. Inheritance: Autosomal recessive inheritance. Affected: no. Observed: 1 variant allele.

3billion
Classification: Pathogenic for Joubert syndrome 3. Last evaluated: 2023-10-24. Review status: criteria provided, single submitter. Criteria: ACMG Guidelines, 2015. Collection method: clinical testing. Allele origin: germline. Affected: yes.
Comment: The variant is not observed in the gnomAD v2.1.1 dataset. Predicted Consequence/Location: Stop-gained (nonsense): predicted to result in a loss or disruption of normal protein function through nonsense-mediated decay (NMD) or protein truncation. Multiple pathogenic variants are reported downstream of the variant. Therefore, this variant is classified as Pathogenic according to the recommendation of ACMG/AMP guideline.

NM_001134831.2(AHI1):c.1760G>A (p.Trp587Ter)

Gene: AHI1 (Abelson helper integration site 1; minus strand). Cytogenetic location: 6q23.3.
Variant type: single nucleotide variant.
Coding change: c.1760G>A on transcript NM_001134831.2 (MANE Select); coding-DNA position 1760, G replaced by A.
Protein change: p.Trp587Ter; replaces tryptophan 587 with a stop codon.
Molecular consequence: nonsense.
Genome position (GRCh38, 1-based): chr6:135,447,027, C>T on the plus strand (G>A on the coding strand, the complement: AHI1 is on the minus strand). VCF-style: chr6-135447027-C-T. GRCh37 (hg19) VCF-style: chr6-135768165-C-T.
Other names: c.1760G>A, p.Trp587Ter (NM_001134830.2, NM_001134832.2, NM_001350503.2 and 2 more transcripts); short protein forms W587*.
Identifiers: ClinVar variation 3775891 (VCV003775891.2).